The following is an entry in ClinVar:

ClinVar aggregate classification (germline): Pathogenic (1 of 4 stars; one submission).

Allele frequency attached by ClinVar (database versions not stated): gnomAD exomes below 0.00001; TOPMed below 0.00001; gnomAD 0.00001; ExAC 0.00002; ESP Exome Variant Server 0.00008.

Submission:

Labcorp Genetics (formerly Invitae), Labcorp
Classification: Pathogenic. Last evaluated: 2026-01-21. Review status: criteria provided, single submitter. Criteria: Invitae Variant Classification Sherloc (09022015). Collection method: clinical testing. Allele origin: germline.
Comment: This sequence change creates a premature translational stop signal (p.His164Glnfs*16) in the COQ8A gene. It is expected to result in an absent or disrupted protein product. Loss-of-function variants in COQ8A are known to be pathogenic (PMID: 18319074, 20580948). The frequency data for this variant in the population databases is considered unreliable, as metrics indicate poor data quality at this position in the gnomAD database. This variant has not been reported in the literature in individuals affected with COQ8A-related conditions. ClinVar contains an entry for this variant (Variation ID: 1408399). For these reasons, this variant has been classified as Pathogenic.

Literature cited by the submitters: PubMed 18319074; PubMed 20580948.

NM_020247.5(COQ8A):c.491dup (p.His164fs)

Gene: COQ8A (coenzyme Q8A; plus strand). Cytogenetic location: 1q42.13.
Variant type: Duplication.
Coding change: c.491dup on transcript NM_020247.5 (MANE Select); coding-DNA position 491, one base duplicated (A; older notation c.491dupA).
Protein change: p.His164fs; shifts the reading frame from histidine 164.
Molecular consequence: frameshift variant.
Genome position (GRCh38, 1-based): chr1:226,965,313, A duplicated. VCF-style (leftmost placement, unchanged base first): chr1-226965312-C-CA. GRCh37 (hg19) VCF-style: chr1-227153013-C-CA.
Other names: short protein forms H164fs.
Identifiers: ClinVar variation 1408399 (VCV001408399.6), dbSNP rs778247643, ClinGen allele CA1425018.